The following is an entry in ClinVar:

NM_001110556.2(FLNA):c.6340_6342del (p.Tyr2114del)

Gene: FLNA (filamin A; minus strand). Cytogenetic location: Xq28.
Variant type: Deletion.
Coding change: c.6340_6342del on transcript NM_001110556.2 (MANE Select); coding-DNA positions 6340 to 6342, 3 bases deleted (TAC; older notation c.6340_6342delTAC).
Protein change: p.Tyr2114del; deletes tyrosine 2114.
Molecular consequence: inframe deletion.
Genome position (GRCh38, 1-based): chrX:154,352,809-154,352,811, GTA deleted on the plus strand (TAC on the coding strand, the reverse complement: FLNA is on the minus strand); deleting any 3 consecutive bases within chrX:154,352,809-154,352,813 gives the same sequence; the c. name uses the placement nearest the transcript's 3' end. VCF-style (leftmost placement, unchanged base first): chrX-154352808-TGTA-T. GRCh37 (hg19) VCF-style: chrX-153581176-TGTA-T.
Other names: c.6316_6318del, p.Tyr2106del (NM_001456.4); short protein forms Y2106del, Y2114del.
Identifiers: ClinVar variation 4074709 (VCV004074709.1).

ClinVar aggregate classification (germline): Uncertain significance (1 of 4 stars; one submission).

Submission:

GeneDx
Classification: Uncertain significance. Last evaluated: 2025-02-07. Review status: criteria provided, single submitter. Criteria: GeneDx Variant Classification Process June 2021. Collection method: clinical testing. Allele origin: germline. Affected: yes.
Comment: Not observed at significant frequency in large population cohorts (gnomAD); In-frame deletion of 1 amino acid in a non-repeat region; In silico analysis supports a deleterious effect on protein structure/function; Has not been previously published as pathogenic or benign to our knowledge